The following is an entry in ClinVar:

ClinVar aggregate classification (germline): Likely benign. Review status: criteria provided, multiple submitters, no conflicts (2 of 4 stars). 4 submissions from 4 submitters: Likely benign (4). Last evaluated 2026-01-28.

Conditions:
Hereditary cancer-predisposing syndrome. Also called: Neoplastic Syndromes, Hereditary; Tumor predisposition; Hereditary neoplastic syndrome; Hereditary Cancer Syndrome. Identifiers: Orphanet 140162, MedGen C0027672, MeSH D009386, MONDO:0015356.

Allele frequency attached by ClinVar (database versions not stated): ExAC 0.00001; TOPMed 0.00003; gnomAD exomes 0.00004.
gnomAD v4.1: 41 of 1,613,822 alleles (0.0025%); highest among the groups gnomAD compares: East Asian, 0.0045%; no homozygotes.

Submissions (4):

Labcorp Genetics (formerly Invitae), Labcorp
Classification: Likely benign. Last evaluated: 2026-01-28. Review status: criteria provided, single submitter. Criteria: Invitae Variant Classification Sherloc (09022015). Collection method: clinical testing. Allele origin: germline.

CeGaT Center for Human Genetics Tuebingen
Classification: Likely benign. Last evaluated: 2025-07-01. Review status: criteria provided, single submitter. Criteria: CeGaT Center For Human Genetics Tuebingen Variant Classification Criteria Version 2. Collection method: clinical testing. Allele origin: germline. Affected: yes. Observed: 1 variant allele.
Comment: SMARCB1: BP4, BP7

Blueprint Genetics
Classification: Likely benign. Last evaluated: 2024-11-18. Review status: criteria provided, single submitter. Criteria: ACMG Guidelines, 2015. Collection method: clinical testing. Allele origin: germline.

Ambry Genetics
Classification: Likely benign for Hereditary cancer-predisposing syndrome. Last evaluated: 2019-07-03. Review status: criteria provided, single submitter. Criteria: Ambry Variant Classification Scheme 2023. Collection method: clinical testing. Allele origin: germline.

NM_003073.5(SMARCB1):c.783C>T (p.Arg261=)

Gene: SMARCB1 (SWI/SNF related BAF chromatin remodeling complex subunit B1; plus strand). Cytogenetic location: 22q11.23.
Variant type: single nucleotide variant.
Coding change: c.783C>T on transcript NM_003073.5 (MANE Select); coding-DNA position 783, C replaced by T.
Protein change: p.Arg261=; no amino-acid change (arginine 261 retained).
Molecular consequence: synonymous variant.
Genome position (GRCh38, 1-based): chr22:23,816,924, C>T. VCF-style: chr22-23816924-C-T. GRCh37 (hg19) VCF-style: chr22-24159111-C-T.
Other names: c.756C>T, p.Arg252= (NM_001007468.3); c.810C>T, p.Arg270= (NM_001317946.2); c.837C>T, p.Arg279= (NM_001362877.2).
Identifiers: ClinVar variation 701842 (VCV000701842.24), dbSNP rs748964274, ClinGen allele CA10146045.
Genomic context (GRCh38, chr22:23,816,924, plus strand): 5'-CAGACAGCAGATCGAGTCCTACCCCACGGACAGCATCCTGGAGGACCAGTCAGACCAGCG[C>T]GTCATCATCAAGGTAGGTGACTTCTCACCCAGCACTGGAGCCTTCCTGGCCCTCAGGGTG-3'
Protein context (NP_003064.2, residues 251-271): DSILEDQSDQ[Arg261=]VIIKLNIHVG